The following is an entry in ClinVar:

ClinVar aggregate classification (germline): Pathogenic/Likely pathogenic. Review status: criteria provided, multiple submitters, no conflicts (2 of 4 stars). 3 submissions from 3 submitters: Pathogenic (1); Likely pathogenic (2). Last evaluated 2026-02-02.

Conditions:
Mucopolysaccharidosis, MPS-II (MPS2). Also called: Attenuated MPS (subtype; formerly known as mild MPS II); Severe MPS II; I2S deficiency; MPS 2; Hunter Syndrome; IDURONATE 2-SULFATASE DEFICIENCY. Identifiers: Orphanet 580, Orphanet 79388, MedGen C0026705, MONDO:0010674, OMIM 309900.
Mucopolysaccharidosis, MPS-III-A (MPS3A). Also called: HEPARAN SULFATE SULFATASE DEFICIENCY; SANFILIPPO SYNDROME A; SULFAMIDASE DEFICIENCY; MPS III A; Mucopolysaccharidosis, type IIIA; mucopolysaccharidosis type 3A. Identifiers: Orphanet 581, Orphanet 79269, MedGen C0086647, MONDO:0009655, OMIM 252900.

Submissions (3):

Myriad Genetics, Inc.
Classification: Likely pathogenic for Mucopolysaccharidosis, MPS-II. Last evaluated: 2026-02-02. Review status: criteria provided, single submitter. Criteria: Myriad Autosomal Dominant, Autosomal Recessive and X-Linked Classification Criteria (2023). Collection method: clinical testing. Allele origin: unknown.
Comment: NM_000202.5(IDS):c.1037C>T(A346V) is a missense variant classified as likely pathogenic in the context of mucopolysaccharidosis type II. A346V has been observed in cases with relevant disease (PMID: 9442913, 24798265, 33676511, 27883178). Relevant functional assessments of this variant are not available in the literature. A346V has not been observed in referenced population frequency databases. In summary, NM_000202.5(IDS):c.1037C>T(A346V) is a missense variant that has been observed more frequently in cases with the relevant disease than in healthy populations. Please note: this variant was assessed in the context of healthy population screening.

Natera, Inc.
Classification: Likely pathogenic for Mucopolysaccharidosis type IIIA. Last evaluated: 2025-11-14. Review status: criteria provided, single submitter. Criteria: Natera Variant Classification Schema (03/2026). Collection method: clinical testing. Allele origin: germline.
Comment: The c.1037C>T variant in IDS is a missense variant predicted to cause substitution of alanine to valine at amino acid 346. This variant is rare in the general population with a frequency below the threshold expected for the associated phenotype(s). This variant has been observed in affected individual(s) with monoallelic occurrence (heterozygous/hemizygous) (PMID: 39803987, 24798265, 27883178, 29095814, 7599640). Computational prediction algorithms indicate this variant is likely to affect gene or protein function. Given the available evidence, this variant is classified as Likely Pathogenic.

Laboratory of Diagnosis and Therapy of Lysosomal Disorders, University of Padova
Classification: Pathogenic for Mucopolysaccharidosis, MPS-II. Last evaluated: 2024-06-07. Review status: criteria provided, single submitter. Criteria: ACMG Guidelines, 2015. Collection method: literature only. Allele origin: germline. Affected: yes. Observed: 8 variant alleles.
Comment: Prevalence of the variant significantly increased in affected individuals compared with controls (PS4_Moderate), Absent from controls (or at low frequency) in gnomAD database (PM2_Moderate), Missense variant in a gene with a low rate of benign missense variation (PP2_Supporting), Multiple lines of computational evidence support a deleterious effect (PP3_Supporting), Patient’s phenotype or family history highly specific for the disease (PP4_Strong)

Classification method: ACMG Guidelines [PMID:25741868] with modifications

Literature cited by the submitters: PubMed 24798265 (cited by 3 submitters); PubMed 27883178 (cited by 3 submitters); PubMed 33676511 (cited by Myriad Genetics, Inc. and Laboratory of Diagnosis and Therapy of Lysosomal Disorders, University of Padova); PubMed 9442913 (cited by Myriad Genetics, Inc. and Laboratory of Diagnosis and Therapy of Lysosomal Disorders, University of Padova); PubMed 39803987 (cited by Natera, Inc.); PubMed 29095814 (cited by Natera, Inc.); PubMed 7599640 (cited by Natera, Inc.); PubMed 9950361 (cited by Laboratory of Diagnosis and Therapy of Lysosomal Disorders, University of Padova).

NM_000202.8(IDS):c.1037C>T (p.Ala346Val)

Genes: IDS (iduronate 2-sulfatase; minus strand), LOC106050102 (IDS recombination region; plus strand). Cytogenetic location: Xq28.
Variant type: single nucleotide variant.
Coding change: c.1037C>T on transcript NM_000202.8 (MANE Select); coding-DNA position 1037, C replaced by T.
Protein change: p.Ala346Val; replaces alanine 346 with valine.
Molecular consequence: missense variant.
Genome position (GRCh38, 1-based): chrX:149,487,068, G>A on the plus strand (C>T on the coding strand, the complement: IDS is on the minus strand). VCF-style: chrX-149487068-G-A. GRCh37 (hg19) VCF-style: chrX-148568599-G-A.
Other names: c.767C>T, p.Ala256Val (NM_001166550.4); c.1037C>T (NM_000202.7); short protein forms A256V, A346V.
Identifiers: ClinVar variation 3255939 (VCV003255939.4).